The following is an entry in ClinVar:

NM_130839.5(UBE3A):c.1277A>C (p.Glu426Ala)

Genes: SNHG14 (small nucleolar RNA host gene 14; plus strand), UBE3A (ubiquitin protein ligase E3A; minus strand). Cytogenetic location: 15q11.2.
Variant type: single nucleotide variant.
Coding change: c.1277A>C on transcript NM_130839.5 (MANE Select); coding-DNA position 1277, A replaced by C.
Protein change: p.Glu426Ala; replaces glutamic acid 426 with alanine.
Molecular consequence: missense variant. On other transcripts: non-coding transcript variant (1), intron variant (2).
Genome position (GRCh38, 1-based): chr15:25,370,897, T>G on the plus strand (A>C on the coding strand, the complement: UBE3A is on the minus strand). VCF-style: chr15-25370897-T-G. GRCh37 (hg19) VCF-style: chr15-25616044-T-G.
Other names: c.1217A>C, p.Glu406Ala (NM_001354523.2, NM_001354526.1, NM_001354539.2 and 17 more transcripts); c.1277A>C, p.Glu426Ala (NM_001354538.2, NM_001354545.2, NM_001354505.1); c.1100A>C, p.Glu367Ala (NM_001354546.2); c.301+4568A>C (NM_001354551.2); c.361+4568A>C (NM_001354550.2); c.1286A>C, p.Glu429Ala (NM_000462.5); short protein forms E367A, E406A, E426A, E429A.
Identifiers: ClinVar variation 1302528 (VCV001302528.2), dbSNP rs2152820840, ClinGen allele CA391353969.

ClinVar aggregate classification (germline): Uncertain significance (1 of 4 stars; one submission).

Submission:

GeneDx
Classification: Uncertain significance. Last evaluated: 2019-06-25. Review status: criteria provided, single submitter. Criteria: GeneDx Variant Classification Process June 2021. Collection method: clinical testing. Allele origin: germline. Affected: yes.
Comment: Not observed in large population cohorts (Lek et al., 2016); The majority of missense variants in this gene are considered pathogenic (Stenson et al., 2014); In silico analysis, which includes protein predictors and evolutionary conservation, supports that this variant does not alter protein structure/function; Has not been previously published as pathogenic or benign to our knowledge